The following is an entry in ClinVar:

NM_015836.4(WARS2):c.754C>T (p.Arg252Cys)

Gene: WARS2 (tryptophanyl tRNA synthetase 2, mitochondrial; minus strand). Cytogenetic location: 1p12.
Variant type: single nucleotide variant.
Coding change: c.754C>T on transcript NM_015836.4 (MANE Select); coding-DNA position 754, C replaced by T.
Protein change: p.Arg252Cys; replaces arginine 252 with cysteine.
Molecular consequence: missense variant. On other transcripts: 3 prime UTR variant (2).
Genome position (GRCh38, 1-based): chr1:119,033,240, G>A on the plus strand (C>T on the coding strand, the complement: WARS2 is on the minus strand). VCF-style: chr1-119033240-G-A. GRCh37 (hg19) VCF-style: chr1-119575863-G-A.
Other names: c.685C>T, p.Arg229Cys (NM_001378226.1, NM_001378227.1); c.583C>T, p.Arg195Cys (NM_001378228.1); c.496C>T, p.Arg166Cys (NM_001378229.1); c.472C>T, p.Arg158Cys (NM_001378230.1); c.*89C>T (NM_001378231.1); c.*120C>T (NM_201263.2); short protein forms R252C, R158C, R166C, R195C, R229C.
Identifiers: ClinVar variation 521796 (VCV000521796.12), dbSNP rs149657255, ClinGen allele CA1035226.
Genomic context (GRCh38, chr1:119,033,240, plus strand): 5'-CGCCAGCGCGGCCAGCCGGGTCATAGGTGACCTCCGAGGTGAAGTCTGTCACAGCCTTGC[G>A]GAATTTCTGCACTATCTCCTCTGGGCTGTCTGTTATTCGGACGGTGGCCAGTTTGTCAGG-3'
Protein context (NP_056651.1, residues 242-262): DSPEEIVQKF[Arg252Cys]KAVTDFTSEV

ClinVar aggregate classification (germline): Conflicting classifications of pathogenicity. Review status: criteria provided, conflicting classifications (1 of 4 stars). 4 submissions from 4 submitters: Uncertain significance (2); Likely benign (1). 1 of the submissions does not count toward it. Last evaluated 2025-06-12.

Conditions:
Inborn genetic diseases. Identifiers: MedGen C0950123, MeSH D030342.
WARS2-related disorder. Also called: WARS2-related disorders; WARS2 related condition.

Allele frequency attached by ClinVar (database versions not stated): gnomAD exomes 0.00009 and 0.00019; ExAC 0.00021; 1000 Genomes Project 30x 0.00062; ESP Exome Variant Server 0.00069; gnomAD 0.00078 and 0.00092; 1000 Genomes Project 0.00080; TOPMed 0.00105.
gnomAD v4.1: 263 of 1,614,240 alleles (0.016%); highest among the groups gnomAD compares: African/African-American, 0.26%; no homozygotes.

Submissions (4):

Labcorp Genetics (formerly Invitae), Labcorp
Classification: Likely benign. Last evaluated: 2025-06-12. Review status: criteria provided, single submitter. Criteria: Invitae Variant Classification Sherloc (09022015). Collection method: clinical testing. Allele origin: germline.

GeneDx
Classification: Uncertain significance. Last evaluated: 2019-07-31. Review status: criteria provided, single submitter. Criteria: GeneDx Variant Classification Process June 2021. Collection method: clinical testing. Allele origin: germline. Affected: yes.
Comment: In silico analysis, which includes protein predictors and evolutionary conservation, supports a deleterious effect; In-silico analysis, which includes splice predictors and evolutionary conservation, is inconclusive as to whether the variant alters gene splicing. In the absence of RNA/functional studies, the actual effect of this sequence change is unknown.; Has not been previously published as pathogenic or benign to our knowledge; This variant is associated with the following publications: (PMID: 12557294, 28905505, 28650581, 28236339, 27389904, 25385316, 25361775, 25130867, 24639874, 17604309, 15779907, 10828066, 2999114)

Ambry Genetics
Classification: Uncertain significance for Inborn genetic diseases. Last evaluated: 2017-07-05. Review status: criteria provided, single submitter. Criteria: Ambry exome assertion method (8-5-2015). Collection method: clinical testing. Allele origin: germline. Affected: yes. Observed: 1 variant allele.

PreventionGenetics, part of Exact Sciences
Classification: Likely benign for WARS2-related condition. Last evaluated: 2022-04-15. Review status: no assertion criteria provided. Collection method: clinical testing. Allele origin: germline. Not counted in ClinVar's aggregate classification.
Comment: This variant is classified as likely benign based on ACMG/AMP sequence variant interpretation guidelines (Richards et al. 2015 PMID: 25741868, with internal and published modifications).